The following is an entry in ClinVar:

NM_000179.3(MSH6):c.2518A>C (p.Ser840Arg)

Gene: MSH6 (mutS homolog 6; plus strand). Cytogenetic location: 2p16.3.
Variant type: single nucleotide variant.
Coding change: c.2518A>C on transcript NM_000179.3 (MANE Select); coding-DNA position 2518, A replaced by C.
Protein change: p.Ser840Arg; replaces serine 840 with arginine.
Molecular consequence: missense variant.
Genome position (GRCh38, 1-based): chr2:47,800,501, A>C. VCF-style: chr2-47800501-A-C. GRCh37 (hg19) VCF-style: chr2-48027640-A-C.
Other names: c.2128A>C, p.Ser710Arg (NM_001281492.2); c.1612A>C, p.Ser538Arg (NM_001281493.2, NM_001281494.2); short protein forms S840R, S538R, S710R.
Identifiers: ClinVar variation 216308 (VCV000216308.22), dbSNP rs863224624, ClinGen allele CA337515.

ClinVar aggregate classification (germline): Uncertain significance. Review status: criteria provided, multiple submitters, no conflicts (2 of 4 stars). 6 submissions from 6 submitters: Uncertain significance (5). 1 of the submissions does not count toward it. Last evaluated 2024-07-16.

Conditions:
Hereditary nonpolyposis colorectal neoplasms. Identifiers: MedGen C0009405, MeSH D003123.
Hereditary cancer-predisposing syndrome. Also called: Hereditary Cancer Syndrome; Hereditary neoplastic syndrome; Neoplastic Syndromes, Hereditary; Tumor predisposition. Identifiers: Orphanet 140162, MedGen C0027672, MeSH D009386, MONDO:0015356.
Lynch syndrome 5 (LYNCH5). Also called: Hereditary non-polyposis colorectal cancer, type 5; Colorectal cancer, hereditary nonpolyposis, type 5. Identifiers: Orphanet 144, MedGen C1833477, MONDO:0013710, OMIM 614350. Disease mechanism: loss of function.

Allele frequency attached by ClinVar (database versions not stated): gnomAD exomes below 0.00001.
gnomAD v4.1: 4 of 1,613,092 alleles (0.00025%); highest among the groups gnomAD compares: Non-Finnish European, 0.00034%; no homozygotes.

Submissions (6):

Ambry Genetics
Classification: Uncertain significance for Hereditary cancer-predisposing syndrome. Last evaluated: 2024-07-16. Review status: criteria provided, single submitter. Criteria: Ambry Variant Classification Scheme 2023. Collection method: clinical testing. Allele origin: germline.
Comment: The p.S840R variant (also known as c.2518A>C), located in coding exon 4 of the MSH6 gene, results from an A to C substitution at nucleotide position 2518. The serine at codon 840 is replaced by arginine, an amino acid with dissimilar properties. This amino acid position is well conserved in available vertebrate species. In addition, the in silico prediction for this alteration is inconclusive. In addition, the CoDP in silico tool predicts this alteration will likely impair molecular function, with a score of 0.685 (Terui H et al. J. Biomed. Sci. 2013;20:25). Since supporting evidence is limited at this time, the clinical significance of this alteration remains unclear.

Color Diagnostics, LLC DBA Color Health
Classification: Uncertain significance for Hereditary cancer-predisposing syndrome. Last evaluated: 2023-12-04. Review status: criteria provided, single submitter. Criteria: ACMG Guidelines, 2015. Collection method: clinical testing. Allele origin: germline.
Comment: This missense variant replaces serine with arginine at codon 840 of the MSH6 protein. Computational prediction is inconclusive regarding the impact of this variant on protein structure and function (internally defined REVEL score threshold 0.5 < inconclusive < 0.7, PMID: 27666373). To our knowledge, functional studies have not been reported for this variant. This variant has not been reported in individuals affected with MSH6-related disorders in the literature. This variant has not been identified in the general population by the Genome Aggregation Database (gnomAD). The available evidence is insufficient to determine the role of this variant in disease conclusively. Therefore, this variant is classified as a Variant of Uncertain Significance.

Myriad Genetics, Inc.
Classification: Uncertain significance for Lynch syndrome 5. Last evaluated: 2023-03-28. Review status: criteria provided, single submitter. Criteria: Myriad Autosomal Dominant, Autosomal Recessive and X-Linked Classification Criteria (2023). Collection method: clinical testing. Allele origin: unknown.
Comment: This variant is classified as a variant of uncertain significance as there is insufficient evidence to determine its impact on protein function and/or cancer risk.

GeneDx
Classification: Uncertain significance. Last evaluated: 2021-04-14. Review status: criteria provided, single submitter. Criteria: GeneDx Variant Classification Process June 2021. Collection method: clinical testing. Allele origin: germline. Affected: yes.
Comment: Not observed in large population cohorts (Lek 2016); In silico analysis supports that this missense variant has a deleterious effect on protein structure/function; Has not been previously published as pathogenic or benign to our knowledge

Labcorp Genetics (formerly Invitae), Labcorp
Classification: Uncertain significance for Hereditary nonpolyposis colorectal neoplasms. Last evaluated: 2020-04-30. Review status: criteria provided, single submitter. Criteria: Invitae Variant Classification Sherloc (09022015). Collection method: clinical testing. Allele origin: germline.
Comment: In summary, the available evidence is currently insufficient to determine the role of this variant in disease. Therefore, it has been classified as a Variant of Uncertain Significance. Algorithms developed to predict the effect of missense changes on protein structure and function are either unavailable or do not agree on the potential impact of this missense change (SIFT: "Deleterious"; PolyPhen-2: "Benign"; Align-GVGD: "Class C15"). This variant has not been reported in the literature in individuals with MSH6-related conditions. ClinVar contains an entry for this variant (Variation ID: 216308). This sequence change replaces serine with arginine at codon 840 of the MSH6 protein (p.Ser840Arg). The serine residue is moderately conserved and there is a moderate physicochemical difference between serine and arginine.

Counsyl
Classification: Uncertain significance for Lynch syndrome 5. Last evaluated: 2018-05-25. Review status: no assertion criteria provided. Collection method: clinical testing. Allele origin: unknown. Not counted in ClinVar's aggregate classification.